The following is an entry in ClinVar:

NM_144670.6(A2ML1):c.3648G>A (p.Ala1216=)

Gene: A2ML1 (alpha-2-macroglobulin like 1; plus strand). Cytogenetic location: 12p13.31.
Variant type: single nucleotide variant.
Coding change: c.3648G>A on transcript NM_144670.6 (MANE Select); coding-DNA position 3648, G replaced by A.
Protein change: p.Ala1216=; no amino-acid change (alanine 1216 retained).
Molecular consequence: synonymous variant.
Genome position (GRCh38, 1-based): chr12:8,863,939, G>A. VCF-style: chr12-8863939-G-A. GRCh37 (hg19) VCF-style: chr12-9016535-G-A.
Other names: c.2175G>A, p.Ala725= (NM_001282424.3); c.3648G>A (NM_144670.5).
Identifiers: ClinVar variation 1114740 (VCV001114740.12), dbSNP rs376574474, ClinGen allele CA6436434.
Genomic context (GRCh38, chr12:8,863,939, plus strand): 5'-CACAGCATATGCATTGTTGGCCCAGCTTACCAAGCCCAGCCTGACTCAAAAGGAGATAGC[G>A]AAGGCCACTAGCATAGTGGCTTGGTTGGCCAAGCAACACAATGCATATGGGGGCTTCTCT-3'
Protein context (NP_653271.3, residues 1206-1226): TKPSLTQKEI[Ala1216=]KATSIVAWLA

ClinVar aggregate classification (germline): Likely benign. Review status: criteria provided, multiple submitters, no conflicts (2 of 4 stars). 3 submissions from 3 submitters: Likely benign (3). Last evaluated 2025-06-06.

Conditions:
A2ML1-related disorder. Also called: A2ML1-related condition.

Allele frequency attached by ClinVar (database versions not stated): ExAC 0.00002; gnomAD exomes 0.00003 and 0.00004; gnomAD 0.00007; ESP Exome Variant Server 0.00008; TOPMed 0.00011; 1000 Genomes Project 30x 0.00031.
gnomAD v4.1: 63 of 1,613,916 alleles (0.0039%); highest among the groups gnomAD compares: Admixed American, 0.015%; no homozygotes.

Submissions (3):

Labcorp Genetics (formerly Invitae), Labcorp
Classification: Likely benign. Last evaluated: 2025-06-06. Review status: criteria provided, single submitter. Criteria: Invitae Variant Classification Sherloc (09022015). Collection method: clinical testing. Allele origin: germline.

PreventionGenetics, part of Exact Sciences
Classification: Likely benign for A2ML1-related condition. Last evaluated: 2024-12-31. Review status: criteria provided, single submitter. Criteria: ACMG Guidelines, 2015. Collection method: clinical testing. Allele origin: germline.
Comment: This variant is classified as likely benign based on ACMG/AMP sequence variant interpretation guidelines (Richards et al. 2015 PMID: 25741868, with internal and published modifications).

Ambry Genetics
Classification: Likely benign. Last evaluated: 2019-08-10. Review status: criteria provided, single submitter. Criteria: Ambry Variant Classification Scheme 2023. Collection method: clinical testing. Allele origin: germline.